The following is an entry in ClinVar:

NM_015100.4(POGZ):c.2459G>C (p.Cys820Ser)

Gene: POGZ (pogo transposable element derived with ZNF domain; minus strand). Cytogenetic location: 1q21.3.
Variant type: single nucleotide variant.
Coding change: c.2459G>C on transcript NM_015100.4 (MANE Select); coding-DNA position 2459, G replaced by C.
Protein change: p.Cys820Ser; replaces cysteine 820 with serine.
Molecular consequence: missense variant.
Genome position (GRCh38, 1-based): chr1:151,406,997, C>G on the plus strand (G>C on the coding strand, the complement: POGZ is on the minus strand). VCF-style: chr1-151406997-C-G. GRCh37 (hg19) VCF-style: chr1-151379473-C-G.
Other names: c.2432G>C, p.Cys811Ser (NM_001194937.2); c.2273G>C, p.Cys758Ser (NM_001194938.2); c.2480G>C, p.Cys827Ser (NM_001410860.1); c.2174G>C, p.Cys725Ser (NM_145796.4); c.2300G>C, p.Cys767Ser (NM_207171.2); short protein forms C725S, C758S, C767S, C811S, C820S, C827S.
Identifiers: ClinVar variation 1707753 (VCV001707753.3), dbSNP rs1557870105, ClinGen allele CA341953525.

ClinVar aggregate classification (germline): Likely pathogenic (1 of 4 stars; one submission).

Submission:

GeneDx
Classification: Likely pathogenic. Last evaluated: 2024-11-26. Review status: criteria provided, single submitter. Criteria: GeneDx Variant Classification Process June 2021. Collection method: clinical testing. Allele origin: germline.
Comment: Not observed at significant frequency in large population cohorts (gnomAD); In silico analysis supports that this missense variant has a deleterious effect on protein structure/function; Has not been previously published as pathogenic or benign to our knowledge